The following is an entry in ClinVar:

ClinVar aggregate classification (germline): Uncertain significance. Review status: criteria provided, multiple submitters, no conflicts (2 of 4 stars). 3 submissions from 3 submitters: Uncertain significance (3). Last evaluated 2025-11-24.

Conditions:
Idiopathic Pulmonary Fibrosis. Also called: Idiopathic fibrosing alveolitis, chronic form; idiopathic fibrosing alveolitis. Identifiers: Orphanet 2032, MedGen C1800706, MeSH D054990, MONDO:0800504.
Dyskeratosis congenita, autosomal dominant 2. Identifiers: MedGen C3151443, MONDO:0013521, OMIM 613989.
Dyskeratosis congenita. Identifiers: Orphanet 1775, MedGen C0265965, MONDO:0015780.

Allele frequency attached by ClinVar (database versions not stated): ExAC below 0.00001; gnomAD exomes below 0.00001; TOPMed below 0.00001; gnomAD 0.00001.
gnomAD v4.1: 2 of 1,537,620 alleles (0.00013%); highest among the groups gnomAD compares: African/African-American, 0.0014%; no homozygotes.

Submissions (3):

Labcorp Genetics (formerly Invitae), Labcorp
Classification: Uncertain significance for Dyskeratosis congenita, autosomal dominant 2; Idiopathic Pulmonary Fibrosis. Last evaluated: 2025-11-24. Review status: criteria provided, single submitter. Criteria: Invitae Variant Classification Sherloc (09022015). Collection method: clinical testing. Allele origin: germline.
Comment: This sequence change replaces aspartic acid, which is acidic and polar, with asparagine, which is neutral and polar, at codon 442 of the TERT protein (p.Asp442Asn). This variant is not present in population databases (gnomAD no frequency). This missense change has been observed in individual(s) with aplastic anemia and shortened telomeres (PMID: 30523342). ClinVar contains an entry for this variant (Variation ID: 649847). Invitae Evidence Modeling of protein sequence and biophysical properties (such as structural, functional, and spatial information, amino acid conservation, physicochemical variation, residue mobility, and thermodynamic stability) indicates that this missense variant is not expected to disrupt TERT protein function with a negative predictive value of 95%. In summary, the available evidence is currently insufficient to determine the role of this variant in disease. Therefore, it has been classified as a Variant of Uncertain Significance.

Ambry Genetics
Classification: Uncertain significance for Dyskeratosis congenita. Last evaluated: 2025-04-22. Review status: criteria provided, single submitter. Criteria: Ambry Variant Classification Scheme 2023. Collection method: clinical testing. Allele origin: germline.
Comment: The p.D442N variant (also known as c.1324G>A), located in coding exon 2 of the TERT gene, results from a G to A substitution at nucleotide position 1324. The aspartic acid at codon 442 is replaced by asparagine, an amino acid with highly similar properties. This alteration has been identified in patients with aplastic anemia (Gutierrez-Rodrigues F et al. Genet Med, 2019 Jul;21:1594-1602; Gutierrez-Rodrigues F et al. Blood, 2023 Apr;141:2100-2113). This amino acid position is well conserved in available vertebrate species; however, asparagine is the reference amino acid in other vertebrate species. In addition, this alteration is predicted to be tolerated by in silico analysis. Based on the available evidence, the clinical significance of this variant remains unclear.

GeneDx
Classification: Uncertain significance. Last evaluated: 2024-03-27. Review status: criteria provided, single submitter. Criteria: GeneDx Variant Classification Process June 2021. Collection method: clinical testing. Allele origin: germline. Affected: yes.
Comment: Not observed at significant frequency in large population cohorts (gnomAD); In silico analysis supports that this missense variant does not alter protein structure/function; This variant is associated with the following publications: (PMID: 30523342)

Literature cited by the submitters: PubMed 30523342 (cited by Labcorp Genetics (formerly Invitae), Labcorp and Ambry Genetics); PubMed 36542832 (cited by Ambry Genetics).

NM_198253.3(TERT):c.1324G>A (p.Asp442Asn)

Gene: TERT (telomerase reverse transcriptase; minus strand). Cytogenetic location: 5p15.33.
Variant type: single nucleotide variant.
Coding change: c.1324G>A on transcript NM_198253.3 (MANE Select); coding-DNA position 1324, G replaced by A.
Protein change: p.Asp442Asn; replaces aspartic acid 442 with asparagine.
Molecular consequence: missense variant. On other transcripts: non-coding transcript variant (2).
Genome position (GRCh38, 1-based): chr5:1,293,562, C>T on the plus strand (G>A on the coding strand, the complement: TERT is on the minus strand). VCF-style: chr5-1293562-C-T. GRCh37 (hg19) VCF-style: chr5-1293677-C-T.
Other names: c.1324G>A, p.Asp442Asn (NM_001193376.3); short protein forms D442N.
Identifiers: ClinVar variation 649847 (VCV000649847.9), dbSNP rs780427764, ClinGen allele CA3184858.
Genomic context (GRCh38, chr5:1,293,562, plus strand): 5'-ACACCTGCCAGGGGCTGCTGTGCTGGCGGAGCAGCTGCACCAGGCGACGGGGGTCTGTGT[C>T]CTCCTCCTCGGGGGCCGCCACAGAGCCCTGGGGCTTCTCCCGGGCACAGACACCGGCTGC-3'
Protein context (NP_937983.2, residues 432-452): QGSVAAPEEE[Asp442Asn]TDPRRLVQLL